The following is an entry in ClinVar:

NM_000059.4(BRCA2):c.3768T>A (p.His1256Gln)

Gene: BRCA2 (BRCA2 DNA repair associated; plus strand). Cytogenetic location: 13q13.1.
Variant type: single nucleotide variant.
Coding change: c.3768T>A on transcript NM_000059.4 (MANE Select); coding-DNA position 3768, T replaced by A.
Protein change: p.His1256Gln; replaces histidine 1256 with glutamine.
Molecular consequence: missense variant.
Genome position (GRCh38, 1-based): chr13:32,338,123, T>A. VCF-style: chr13-32338123-T-A. GRCh37 (hg19) VCF-style: chr13-32912260-T-A.
Other names: short protein forms H1256Q.
Identifiers: ClinVar variation 571734 (VCV000571734.13), dbSNP rs1566229121, ClinGen allele CA387778247.

ClinVar aggregate classification (germline): Conflicting classifications of pathogenicity. Review status: criteria provided, conflicting classifications (1 of 4 stars). 4 submissions from 4 submitters: Uncertain significance (3); Likely benign (1). Last evaluated 2025-06-29.

Conditions:
Hereditary cancer-predisposing syndrome. Also called: Hereditary neoplastic syndrome; Tumor predisposition; Neoplastic Syndromes, Hereditary; Hereditary Cancer Syndrome. Identifiers: Orphanet 140162, MedGen C0027672, MeSH D009386, MONDO:0015356.
Hereditary breast ovarian cancer syndrome. Also called: Hereditary breast and ovarian cancer syndrome; Breast and ovarian cancer; Hereditary breast and ovarian cancer; Hereditary breast and/or ovarian cancer syndrome; Hereditary breast and ovarian cancer syndrome (HBOC); BRCA1- and BRCA2-Associated Hereditary Breast and Ovarian Cancer. Identifiers: Orphanet 145, MedGen C0677776, MeSH D061325, MONDO:0003582. Disease mechanism: loss of function.

Submissions (4):

Color Diagnostics, LLC DBA Color Health
Classification: Uncertain significance for Hereditary cancer-predisposing syndrome. Last evaluated: 2025-06-29. Review status: criteria provided, single submitter. Criteria: ACMG Guidelines, 2015. Collection method: clinical testing. Allele origin: germline.
Comment: This missense variant replaces histidine with glutamine at codon 1256 of the BRCA2 protein. Computational prediction suggests that this variant may not impact protein structure and function. To our knowledge, functional studies have not been reported for this variant. This variant has not been reported in individuals affected with BRCA2-related disorders in the literature. This variant has not been identified in the general population by the Genome Aggregation Database (gnomAD). The available evidence is insufficient to determine the role of this variant in disease conclusively. Therefore, this variant is classified as a Variant of Uncertain Significance.

Labcorp Genetics (formerly Invitae), Labcorp
Classification: Uncertain significance for Hereditary breast ovarian cancer syndrome. Last evaluated: 2025-04-17. Review status: criteria provided, single submitter. Criteria: Invitae Variant Classification Sherloc (09022015). Collection method: clinical testing. Allele origin: germline.
Comment: This sequence change replaces histidine, which is basic and polar, with glutamine, which is neutral and polar, at codon 1256 of the BRCA2 protein (p.His1256Gln). This variant is not present in population databases (gnomAD no frequency). This variant has not been reported in the literature in individuals affected with BRCA2-related conditions. ClinVar contains an entry for this variant (Variation ID: 571734). Invitae Evidence Modeling of protein sequence and biophysical properties (such as structural, functional, and spatial information, amino acid conservation, physicochemical variation, residue mobility, and thermodynamic stability) indicates that this missense variant is not expected to disrupt BRCA2 protein function with a negative predictive value of 95%. In summary, the available evidence is currently insufficient to determine the role of this variant in disease. Therefore, it has been classified as a Variant of Uncertain Significance.

Ambry Genetics
Classification: Uncertain significance for Hereditary cancer-predisposing syndrome. Last evaluated: 2024-05-18. Review status: criteria provided, single submitter. Criteria: Ambry Variant Classification Scheme 2023. Collection method: clinical testing. Allele origin: germline.
Comment: The p.H1256Q variant (also known as c.3768T>A), located in coding exon 10 of the BRCA2 gene, results from a T to A substitution at nucleotide position 3768. The histidine at codon 1256 is replaced by glutamine, an amino acid with highly similar properties. This amino acid position is poorly conserved in available vertebrate species. In addition, this alteration is predicted to be tolerated by in silico analysis. Since supporting evidence is limited at this time, the clinical significance of this alteration remains unclear.

University of Washington Department of Laboratory Medicine, University of Washington
Classification: Likely benign for Hereditary cancer-predisposing syndrome. Last evaluated: 2023-03-23. Review status: criteria provided, single submitter. Criteria: Dines et al. (Genet Med. 2020). Collection method: curation. Allele origin: germline.
Comment: Missense variant in a coldspot region where missense variants are very unlikely to be pathogenic (PMID:31911673).

BRCA2 exon 11 coldspot. Reclassification based on statistical prior probability.